The following is an entry in ClinVar:

NM_000179.3(MSH6):c.2249C>A (p.Thr750Lys)

Gene: MSH6 (mutS homolog 6; plus strand). Cytogenetic location: 2p16.3.
Variant type: single nucleotide variant.
Coding change: c.2249C>A on transcript NM_000179.3 (MANE Select); coding-DNA position 2249, C replaced by A.
Protein change: p.Thr750Lys; replaces threonine 750 with lysine.
Molecular consequence: missense variant.
Genome position (GRCh38, 1-based): chr2:47,800,232, C>A. VCF-style: chr2-47800232-C-A. GRCh37 (hg19) VCF-style: chr2-48027371-C-A.
Other names: p.T750K:ACA>AAA; c.1859C>A, p.Thr620Lys (NM_001281492.2); c.1343C>A, p.Thr448Lys (NM_001281493.2, NM_001281494.2); short protein forms T750K, T620K, T448K.
Identifiers: ClinVar variation 182660 (VCV000182660.26), dbSNP rs730881817, ClinGen allele CA009894.

ClinVar aggregate classification (germline): Conflicting classifications of pathogenicity. Review status: criteria provided, conflicting classifications (1 of 4 stars). 8 submissions from 8 submitters: Uncertain significance (5); Likely benign (2). 1 of the submissions does not count toward it. Last evaluated 2026-01-31.

Conditions:
Endometrial carcinoma. Also called: Endometrial carcinoma, somatic. Identifiers: MedGen C0476089, MONDO:0002447, OMIM 608089, HP:0012114.
Hereditary nonpolyposis colorectal neoplasms. Identifiers: MedGen C0009405, MeSH D003123.
Hereditary cancer-predisposing syndrome. Also called: Tumor predisposition; Hereditary Cancer Syndrome; Hereditary neoplastic syndrome; Neoplastic Syndromes, Hereditary. Identifiers: Orphanet 140162, MedGen C0027672, MeSH D009386, MONDO:0015356.
Lynch syndrome 5 (LYNCH5). Also called: Colorectal cancer, hereditary nonpolyposis, type 5; Hereditary non-polyposis colorectal cancer, type 5. Identifiers: Orphanet 144, MedGen C1833477, MONDO:0013710, OMIM 614350. Disease mechanism: loss of function.

Allele frequency attached by ClinVar (database versions not stated): TOPMed below 0.00001; ExAC 0.00001; gnomAD exomes 0.00001.
gnomAD v4.1: 11 of 1,614,162 alleles (0.00068%); highest among the groups gnomAD compares: Non-Finnish European, 0.00093%; no homozygotes.

Submissions (8):

Labcorp Genetics (formerly Invitae), Labcorp
Classification: Likely benign for Hereditary nonpolyposis colorectal neoplasms. Last evaluated: 2026-01-31. Review status: criteria provided, single submitter. Criteria: Invitae Variant Classification Sherloc (09022015). Collection method: clinical testing. Allele origin: germline.

Color Diagnostics, LLC DBA Color Health
Classification: Uncertain significance for Hereditary cancer-predisposing syndrome. Last evaluated: 2025-04-28. Review status: criteria provided, single submitter. Criteria: ACMG Guidelines, 2015. Collection method: clinical testing. Allele origin: germline.
Comment: This missense variant replaces threonine with lysine at codon 750 of the MSH6 protein. Computational prediction is inconclusive regarding the impact of this variant on protein structure and function. To our knowledge, functional studies have not been reported for this variant. This variant has not been reported in individuals affected with hereditary cancer in the literature. This variant has been identified in 3/250972 chromosomes in the general population by the Genome Aggregation Database (gnomAD). The available evidence is insufficient to determine the role of this variant in disease conclusively. Therefore, this variant is classified as a Variant of Uncertain Significance.

Baylor Genetics
Classification: Uncertain significance for Endometrial carcinoma. Last evaluated: 2024-01-24. Review status: criteria provided, single submitter. Criteria: ACMG Guidelines, 2015. Collection method: clinical testing. Allele origin: unknown.

Myriad Genetics, Inc.
Classification: Uncertain significance for Lynch syndrome 5. Last evaluated: 2023-03-28. Review status: criteria provided, single submitter. Criteria: Myriad Autosomal Dominant, Autosomal Recessive and X-Linked Classification Criteria (2023). Collection method: clinical testing. Allele origin: unknown.
Comment: This variant is classified as a variant of uncertain significance as there is insufficient evidence to determine its impact on protein function and/or cancer risk.

Ambry Genetics
Classification: Likely benign for Hereditary cancer-predisposing syndrome. Last evaluated: 2018-09-29. Review status: criteria provided, single submitter. Criteria: Ambry Variant Classification Scheme 2023. Collection method: clinical testing. Allele origin: germline.

Women's Health and Genetics/Laboratory Corporation of America, LabCorp
Classification: Uncertain significance. Last evaluated: 2016-01-04. Review status: criteria provided, single submitter. Criteria: LabCorp Variant Classification Summary - May 2015. Collection method: clinical testing. Allele origin: germline.

GeneDx
Classification: Uncertain significance. Last evaluated: 2015-07-28. Review status: criteria provided, single submitter. Criteria: GeneDx Variant Classification (06012015). Collection method: clinical testing. Allele origin: germline. Affected: yes.
Comment: This variant is denoted MSH6 c.2249C>A at the cDNA level, p.Thr750Lys (T750K) at the protein level, and results in the change of a Threonine to a Lysine (ACA>AAA). This variant has not, to our knowledge, been published in the literature as pathogenic or benign. MSH6 Thr750Lys was not observed in approximately 6,500 individuals of European and African American ancestry in the NHLBI Exome Sequencing Project, indicating it is not a common benign variant in these populations. Since Threonine and Lysine differ in some properties, this is considered a semi-conservative amino acid substitution. MSH6 Thr750Lys occurs at a position that is conserved through mammals and is located in domain III of the MutS domain (Terui 2013). In silico analyses are inconsistent regarding the effect this variant may have on protein structure and function. Based on currently available information, it is unclear whether MSH6 Thr750Lys is pathogenic or benign. We consider it to be a variant of uncertain significance.

Counsyl
Classification: Uncertain significance for Lynch syndrome 5. Last evaluated: 2018-06-05. Review status: no assertion criteria provided. Collection method: clinical testing. Allele origin: unknown. Not counted in ClinVar's aggregate classification.